The following is an entry in ClinVar:

ClinVar aggregate classification (germline): Uncertain significance. Review status: criteria provided, single submitter (1 of 4 stars). 2 submissions from 2 submitters: Uncertain significance (1). 1 of the submissions does not count toward it. Last evaluated 2021-08-24.

Conditions:
SPR-related disorder. Also called: SPR-related condition.
Dystonic disorder. Also called: Dystonia. Identifiers: MedGen C0013421, MONDO:0003441, HP:0001332.

Allele frequency attached by ClinVar (database versions not stated): gnomAD exomes below 0.00001 and 0.00003; gnomAD 0.00002 and 0.00003; TOPMed 0.00002.

Submissions (2):

Labcorp Genetics (formerly Invitae), Labcorp
Classification: Uncertain significance for Dystonic disorder. Last evaluated: 2021-08-24. Review status: criteria provided, single submitter. Criteria: Invitae Variant Classification Sherloc (09022015). Collection method: clinical testing. Allele origin: germline.
Comment: This sequence change replaces aspartic acid with histidine at codon 257 of the SPR protein (p.Asp257His). The aspartic acid residue is highly conserved and there is a moderate physicochemical difference between aspartic acid and histidine. This variant is not present in population databases (ExAC no frequency). This variant has not been reported in the literature in individuals affected with SPR-related conditions. Algorithms developed to predict the effect of missense changes on protein structure and function are either unavailable or do not agree on the potential impact of this missense change (SIFT: "Deleterious"; PolyPhen-2: "Probably Damaging"; Align-GVGD: "Class C0"). Experimental studies have shown that this missense change affects SPR function (PMID: 23640889). In summary, the available evidence is currently insufficient to determine the role of this variant in disease. Therefore, it has been classified as a Variant of Uncertain Significance.

PreventionGenetics, part of Exact Sciences
Classification: Uncertain significance for SPR-related condition. Last evaluated: 2024-05-24. Review status: no assertion criteria provided. Collection method: clinical testing. Allele origin: germline. Not counted in ClinVar's aggregate classification.
Comment: The SPR c.769G>C variant is predicted to result in the amino acid substitution p.Asp257His. To our knowledge, this variant has not been reported in any affected patients. However, in a functional study the p.Asp257His substitution was reported to nearly abolish sepiapterin reduction activity (Yang et al. 2013. PubMed ID: 23640889). This variant is reported in 0.00088% of alleles in individuals of European (Non-Finnish) descent in gnomAD. At this time, the clinical significance of this variant is uncertain due to the absence of conclusive functional and genetic evidence.

Literature cited by the submitters: PubMed 23640889 (cited by Labcorp Genetics (formerly Invitae), Labcorp).

NM_003124.5(SPR):c.769G>C (p.Asp257His)

Gene: SPR (sepiapterin reductase; plus strand). Cytogenetic location: 2p13.2.
Variant type: single nucleotide variant.
Coding change: c.769G>C on transcript NM_003124.5 (MANE Select); coding-DNA position 769, G replaced by C.
Protein change: p.Asp257His; replaces aspartic acid 257 with histidine.
Molecular consequence: missense variant.
Genome position (GRCh38, 1-based): chr2:72,891,520, G>C. VCF-style: chr2-72891520-G-C. GRCh37 (hg19) VCF-style: chr2-73118649-G-C.
Other names: short protein forms D257H.
Identifiers: ClinVar variation 650771 (VCV000650771.7), dbSNP rs920977784, ClinGen allele CA49798719.